The following is an entry in ClinVar:

ClinVar aggregate classification (germline): Uncertain significance. Review status: criteria provided, multiple submitters, no conflicts (2 of 4 stars). 2 submissions from 2 submitters: Uncertain significance (2). Last evaluated 2025-06-12.

Conditions:
Inborn genetic diseases. Identifiers: MedGen C0950123, MeSH D030342.

gnomAD v4.1: 39 of 1,612,514 alleles (0.0024%); highest among the groups gnomAD compares: African/African-American, 0.037%; no homozygotes.

Submissions (2):

Labcorp Genetics (formerly Invitae), Labcorp
Classification: Uncertain significance. Last evaluated: 2025-06-12. Review status: criteria provided, single submitter. Criteria: Invitae Variant Classification Sherloc (09022015). Collection method: clinical testing. Allele origin: germline.
Comment: This sequence change replaces arginine, which is basic and polar, with histidine, which is basic and polar, at codon 1856 of the FAT1 protein (p.Arg1856His). This variant is present in population databases (rs367953057, gnomAD 0.05%). This variant has not been reported in the literature in individuals affected with FAT1-related conditions. ClinVar contains an entry for this variant (Variation ID: 3848936). Invitae Evidence Modeling of protein sequence and biophysical properties (such as structural, functional, and spatial information, amino acid conservation, physicochemical variation, residue mobility, and thermodynamic stability) indicates that this missense variant is not expected to disrupt FAT1 protein function with a negative predictive value of 80%. In summary, the available evidence is currently insufficient to determine the role of this variant in disease. Therefore, it has been classified as a Variant of Uncertain Significance.

Ambry Genetics
Classification: Uncertain significance for Inborn genetic diseases. Last evaluated: 2025-03-01. Review status: criteria provided, single submitter. Criteria: Ambry Variant Classification Scheme 2023. Collection method: clinical testing. Allele origin: germline.

NM_005245.4(FAT1):c.5567G>A (p.Arg1856His)

Gene: FAT1 (FAT atypical cadherin 1; minus strand). Cytogenetic location: 4q35.2.
Variant type: single nucleotide variant.
Coding change: c.5567G>A on transcript NM_005245.4 (MANE Select); coding-DNA position 5567, G replaced by A.
Protein change: p.Arg1856His; replaces arginine 1856 with histidine.
Molecular consequence: missense variant.
Genome position (GRCh38, 1-based): chr4:186,621,019, C>T on the plus strand (G>A on the coding strand, the complement: FAT1 is on the minus strand). VCF-style: chr4-186621019-C-T. GRCh37 (hg19) VCF-style: chr4-187542173-C-T.
Other names: short protein forms R1856H.
Identifiers: ClinVar variation 3848936 (VCV003848936.2).